The following is an entry in ClinVar:

NM_144999.4(LRRC45):c.1484G>A (p.Arg495His)

Gene: LRRC45 (leucine rich repeat containing 45; plus strand). Cytogenetic location: 17q25.3.
Variant type: single nucleotide variant.
Coding change: c.1484G>A on transcript NM_144999.4 (MANE Select); coding-DNA position 1484, G replaced by A.
Protein change: p.Arg495His; replaces arginine 495 with histidine.
Molecular consequence: missense variant.
Genome position (GRCh38, 1-based): chr17:82,029,625, G>A. VCF-style: chr17-82029625-G-A. GRCh37 (hg19) VCF-style: chr17-79987501-G-A.
Other names: short protein forms R495H.
Identifiers: ClinVar variation 3347979 (VCV003347979.1).

ClinVar aggregate classification (germline): Likely benign (0 of 4 stars; one submission).

Conditions:
LRRC45-related disorder. Also called: LRRC45-related condition.

Submission:

PreventionGenetics, part of Exact Sciences
Classification: Likely benign for LRRC45-related condition. Last evaluated: 2024-08-14. Review status: no assertion criteria provided. Collection method: clinical testing. Allele origin: germline.
Comment: This variant is classified as likely benign based on ACMG/AMP sequence variant interpretation guidelines (Richards et al. 2015 PMID: 25741868, with internal and published modifications).